The following is an entry in ClinVar:

ClinVar aggregate classification (germline): Uncertain significance (1 of 4 stars; one submission).

Conditions:
Hereditary cancer-predisposing syndrome. Also called: Hereditary Cancer Syndrome; Neoplastic Syndromes, Hereditary; Tumor predisposition; Hereditary neoplastic syndrome. Identifiers: Orphanet 140162, MedGen C0027672, MeSH D009386, MONDO:0015356.

Submission:

Ambry Genetics
Classification: Uncertain significance for Hereditary cancer-predisposing syndrome. Last evaluated: 2016-08-19. Review status: criteria provided, single submitter. Criteria: Ambry Variant Classification Scheme 2023. Collection method: clinical testing. Allele origin: germline.
Comment: The p.T269S variant (also known as c.805A>T), located in coding exon 4 of the MSH6 gene, results from an A to T substitution at nucleotide position 805. The threonine at codon 269 is replaced by serine, an amino acid with similar properties. This variant was not reported in population based cohorts in the following databases: Database of Single Nucleotide Polymorphisms (dbSNP), NHLBI Exome Sequencing Project (ESP), and 1000 Genomes Project. In the ESP, this variant was not observed in 6503 samples (13006 alleles) with coverage at this position. To date, this alteration has been detected with an allele frequency of approximately 0.001% (greater than 150000 alleles tested) in our clinical cohort. This amino acid position is not conserved however, serine is a reference amino acid in several species. In addition, this alteration is predicted to be tolerated by in silico analysis. In addition, the CoDP in silico tool predicts this alteration to have minor impact on molecular function, with a score of 0.000 (Terui H et al. J. Biomed. Sci. 2013;20:25). Since supporting evidence is limited at this time, the clinical significance of this alteration remains unclear.

NM_000179.3(MSH6):c.805A>T (p.Thr269Ser)

Gene: MSH6 (mutS homolog 6; plus strand). Cytogenetic location: 2p16.3.
Variant type: single nucleotide variant.
Coding change: c.805A>T on transcript NM_000179.3 (MANE Select); coding-DNA position 805, A replaced by T.
Protein change: p.Thr269Ser; replaces threonine 269 with serine.
Molecular consequence: missense variant. On other transcripts: 5 prime UTR variant (2).
Genome position (GRCh38, 1-based): chr2:47,798,788, A>T. VCF-style: chr2-47798788-A-T. GRCh37 (hg19) VCF-style: chr2-48025927-A-T.
Other names: c.415A>T, p.Thr139Ser (NM_001281492.2); c.-102A>T (NM_001281493.2, NM_001281494.2); short protein forms T269S, T139S.
Identifiers: ClinVar variation 479870 (VCV000479870.5), dbSNP rs1553412223, ClinGen allele CA346740355.